The following is an entry in ClinVar:

NM_000435.3(NOTCH3):c.3206A>G (p.Tyr1069Cys)

Gene: NOTCH3 (notch receptor 3; minus strand). Cytogenetic location: 19p13.12.
Variant type: single nucleotide variant.
Coding change: c.3206A>G on transcript NM_000435.3 (MANE Select); coding-DNA position 3206, A replaced by G.
Protein change: p.Tyr1069Cys; replaces tyrosine 1069 with cysteine.
Molecular consequence: missense variant.
Genome position (GRCh38, 1-based): chr19:15,180,193, T>C on the plus strand (A>G on the coding strand, the complement: NOTCH3 is on the minus strand). VCF-style: chr19-15180193-T-C. GRCh37 (hg19) VCF-style: chr19-15291004-T-C.
Other names: c.3206A>G (NM_000435.2); short protein forms Y1069C.
Identifiers: ClinVar variation 1510760 (VCV001510760.9), dbSNP rs1438064001, ClinGen allele CA404513700.

ClinVar aggregate classification (germline): Conflicting classifications of pathogenicity. Review status: criteria provided, conflicting classifications (1 of 4 stars). 4 submissions from 4 submitters: Pathogenic (2); Likely pathogenic (1); Uncertain significance (1). Last evaluated 2026-09-10.

Conditions:
NOTCH3-related disorder. Also called: NOTCH3-related condition; NOTCH3-related disorders.

Allele frequency attached by ClinVar (database versions not stated): gnomAD exomes below 0.00001 and 0.00001.
gnomAD v4.1: 3 of 1,613,872 alleles (0.00019%); no homozygotes.

Submissions (4):

PreventionGenetics, part of Exact Sciences
Classification: Likely pathogenic for NOTCH3-related condition. Last evaluated: 2026-09-10. Review status: criteria provided, single submitter. Criteria: ACMG Guidelines, 2015. Collection method: clinical testing. Allele origin: germline.
Comment: The NOTCH3 c.3206A>G variant is predicted to result in the amino acid substitution p.Tyr1069Cys. This variant was reported in an individual with CADASIL with confirmed granular osmiophilic material (GOM)(Tikka et al. 2009. PubMed ID: 19174371). Most CADASIL causing variants in the NOTCH3 gene result in the gain or loss of one or more cysteine residues in the extracellular domain of the protein, as seen in this patient. This patient’s variant alters a cysteine residue and is located in the extracellular EGF-like domain 27. Pathogenic variants in EGF-like domains 1-6 appear to be fully penetrant and are usually associated with the classical CADASIL phenotype. However, there is variability in disease severity. Pathogenic variants in EGF-like domains 7-34 have a much higher population frequency, and can predispose to a milder small-vessel disease, possibly even displaying incomplete or at least very late onset complete penetrance (OMIM #125310; Rutten et al. 2016. PubMed ID: 27844030; Rutten et al. 2019. PubMed ID: 30032161). This variant is reported in 0.0046% of alleles in individuals of European (Finnish) descent in gnomAD. This variant is interpreted as likely pathogenic.

Blueprint Genetics
Classification: Pathogenic for NOTCH3-related disorders. Last evaluated: 2023-07-21. Review status: criteria provided, single submitter. Criteria: ACMG Guidelines, 2015. Collection method: clinical testing. Allele origin: germline. Affected: yes. Observed: 1 variant allele.

Athena Diagnostics
Classification: Pathogenic. Last evaluated: 2023-06-27. Review status: criteria provided, single submitter. Criteria: Athena Diagnostics Criteria. Collection method: clinical testing. Allele origin: unknown.
Comment: The frequency of this variant in the general population is consistent with pathogenicity. This variant has been identified in at least one individual with clinical features associated with CADASIL. This variant alters a critical location within the protein, and is expected to severely affect function and cause disease. Greater than 90% of NOTCH3 pathogenic variants associated with CADASIL involve the gain or loss of a cysteine residue within the epidermal growth factor (EGF)-like repeat domain (PMID: 32457593, 20301673).

Labcorp Genetics (formerly Invitae), Labcorp
Classification: Uncertain significance. Last evaluated: 2022-05-28. Review status: criteria provided, single submitter. Criteria: Invitae Variant Classification Sherloc (09022015). Collection method: clinical testing. Allele origin: germline.
Comment: This sequence change replaces tyrosine, which is neutral and polar, with cysteine, which is neutral and slightly polar, at codon 1069 of the NOTCH3 protein (p.Tyr1069Cys). This variant is present in population databases (no rsID available, gnomAD 0.004%). This missense change has been observed in individual(s) with CADASIL (PMID: 19174371). ClinVar contains an entry for this variant (Variation ID: 1510760). Advanced modeling of protein sequence and biophysical properties (such as structural, functional, and spatial information, amino acid conservation, physicochemical variation, residue mobility, and thermodynamic stability) performed at Invitae indicates that this missense variant is expected to disrupt NOTCH3 protein function. In summary, the available evidence is currently insufficient to determine the role of this variant in disease. Therefore, it has been classified as a Variant of Uncertain Significance.

Literature cited by the submitters: PubMed 19174371 (cited by Athena Diagnostics and Labcorp Genetics (formerly Invitae), Labcorp).